The following is an entry in ClinVar:

ClinVar aggregate classification (germline): Uncertain significance. Review status: criteria provided, multiple submitters, no conflicts (2 of 4 stars). 2 submissions from 2 submitters: Uncertain significance (2). Last evaluated 2025-12-06.

Conditions:
Nephrolithiasis susceptibility caused by SLC26A1 (CAON1). Also called: NEPHROLITHIASIS, CALCIUM OXALATE, 1. Identifiers: MedGen C5779632, MONDO:0020722, OMIM 167030.
Hypersulfaturia (HYSULF). Identifiers: MedGen C5830511, MONDO:0957268, OMIM 620372.

Allele frequency attached by ClinVar (database versions not stated): ExAC below 0.00001; gnomAD exomes 0.00002; gnomAD 0.00004; TOPMed 0.00005.
gnomAD v4.1: 29 of 1,556,554 alleles (0.0019%); highest among the groups gnomAD compares: African/African-American, 0.012%; no homozygotes.

Submissions (2):

Labcorp Genetics (formerly Invitae), Labcorp
Classification: Uncertain significance. Last evaluated: 2025-12-06. Review status: criteria provided, single submitter. Criteria: Invitae Variant Classification Sherloc (09022015). Collection method: clinical testing. Allele origin: germline.
Comment: This sequence change replaces aspartic acid, which is acidic and polar, with asparagine, which is neutral and polar, at codon 322 of the SLC26A1 protein (p.Asp322Asn). This variant is present in population databases (rs776045970, gnomAD 0.01%). This variant has not been reported in the literature in individuals affected with SLC26A1-related conditions. ClinVar contains an entry for this variant (Variation ID: 959735). Invitae Evidence Modeling of protein sequence and biophysical properties (such as structural, functional, and spatial information, amino acid conservation, physicochemical variation, residue mobility, and thermodynamic stability) indicates that this missense variant is not expected to disrupt SLC26A1 protein function with a negative predictive value of 80%. In summary, the available evidence is currently insufficient to determine the role of this variant in disease. Therefore, it has been classified as a Variant of Uncertain Significance.

Fulgent Genetics
Classification: Uncertain significance for Nephrolithiasis susceptibility caused by SLC26A1; Hypersulfaturia. Last evaluated: 2024-04-10. Review status: criteria provided, single submitter. Criteria: ACMG Guidelines, 2015. Collection method: clinical testing. Allele origin: germline.

NM_022042.4(SLC26A1):c.964G>A (p.Asp322Asn)

Genes: IDUA (alpha-L-iduronidase; plus strand), SLC26A1 (solute carrier family 26 member 1; minus strand). Cytogenetic location: 4p16.3.
Variant type: single nucleotide variant.
Coding change: c.964G>A on transcript NM_022042.4 (MANE Select); coding-DNA position 964, G replaced by A.
Protein change: p.Asp322Asn; replaces aspartic acid 322 with asparagine.
Molecular consequence: missense variant. On other transcripts: intron variant (2).
Genome position (GRCh38, 1-based): chr4:989,975, C>T on the plus strand (G>A on the coding strand, the complement: SLC26A1 is on the minus strand). VCF-style: chr4-989975-C-T. GRCh37 (hg19) VCF-style: chr4-983763-C-T.
Other names: c.964G>A, p.Asp322Asn (NM_213613.4); c.576+1153G>A (NM_134425.4); c.299+2026C>T (NM_000203.5); short protein forms D322N.
Identifiers: ClinVar variation 959735 (VCV000959735.10), dbSNP rs776045970, ClinGen allele CA2801492.